The following is an entry in ClinVar:

ClinVar aggregate classification (germline): Uncertain significance (0 of 4 stars; one submission).

Conditions:
ITSN2-related disorder. Also called: ITSN2-related condition.

gnomAD v4.1: 4 of 1,595,296 alleles (0.00025%); highest among the groups gnomAD compares: Admixed American, 0.0071%; no homozygotes.

Submission:

PreventionGenetics, part of Exact Sciences
Classification: Uncertain significance for ITSN2-related condition. Last evaluated: 2024-05-08. Review status: no assertion criteria provided. Collection method: clinical testing. Allele origin: germline.
Comment: The ITSN2 c.3699+2T>A variant is predicted to disrupt the GT donor site and interfere with normal splicing. To our knowledge, this variant has not been reported in the literature. This variant is reported in 0.010% of alleles in individuals of Latino descent in gnomAD. Since the role of this gene to human disease is not clear yet, at this time, the clinical significance of this variant is uncertain due to the absence of conclusive functional and genetic evidence.

NM_006277.3(ITSN2):c.3699+2T>A

Gene: ITSN2 (intersectin 2; minus strand). Cytogenetic location: 2p23.3.
Variant type: single nucleotide variant.
Coding change: c.3699+2T>A on transcript NM_006277.3 (MANE Select); the canonical splice donor site of the intron after coding-DNA position 3699, T replaced by A.
Molecular consequence: splice donor variant. On other transcripts: missense variant (1).
Genome position (GRCh38, 1-based): chr2:24,220,943, A>T on the plus strand (T>A on the coding strand, the complement: ITSN2 is on the minus strand). VCF-style: chr2-24220943-A-T. GRCh37 (hg19) VCF-style: chr2-24443812-A-T.
Other names: c.3701T>A, p.Val1234Glu (NM_147152.3); c.3579+2T>A (NM_001348182.2); c.3618+2T>A (NM_019595.4); c.3657+2T>A (NM_001348181.2); short protein forms V1234E.
Identifiers: ClinVar variation 3356424 (VCV003356424.1).